The following is an entry in ClinVar:

NM_001943.5(DSG2):c.1837G>A (p.Ala613Thr)

Gene: DSG2 (desmoglein 2; plus strand). Cytogenetic location: 18q12.1.
Variant type: single nucleotide variant.
Coding change: c.1837G>A on transcript NM_001943.5 (MANE Select); coding-DNA position 1837, G replaced by A.
Protein change: p.Ala613Thr; replaces alanine 613 with threonine.
Molecular consequence: missense variant.
Genome position (GRCh38, 1-based): chr18:31,538,936, G>A. VCF-style: chr18-31538936-G-A. GRCh37 (hg19) VCF-style: chr18-29118899-G-A.
Other names: short protein forms A613T.
Identifiers: ClinVar variation 44288 (VCV000044288.23), dbSNP rs368257724, ClinGen allele CA021579.

ClinVar aggregate classification (germline): Uncertain significance. Review status: criteria provided, multiple submitters, no conflicts (2 of 4 stars). 8 submissions from 8 submitters: Uncertain significance (8). Last evaluated 2026-10-23.

Conditions:
Cardiovascular phenotype. Identifiers: MedGen CN230736.
Arrhythmogenic right ventricular cardiomyopathy (ARVD). Also called: Arrhythmogenic cardiomyopathy; Arrhythmogenic Right Ventricular Cardiomyopathy (ARVC); Cardiomyopathy, ARVC; Arrhythmogenic right ventricular dysplasia. Identifiers: Orphanet 247, MedGen C0349788, MeSH D019571, MONDO:0016587. Disease mechanism: loss of function. Inheritance: Various modes of inheritance.
Arrhythmogenic right ventricular dysplasia 10. Also called: Arrhythmogenic Right Ventricular Dysplasia/Cardiomyopathy10; Arrhythmogenic right ventricular dysplasia/cardiomyopathy, type 10; ARRHYTHMOGENIC RIGHT VENTRICULAR DYSPLASIA, FAMILIAL, 10. Identifiers: MedGen C1857777, MONDO:0012434, OMIM 610193.
Cardiomyopathy (CMYO). Also called: Cardiomyopathies. Identifiers: Orphanet 167848, MedGen C0878544, MONDO:0004994, HP:0001638. Inheritance: Various modes of inheritance.

Allele frequency attached by ClinVar (database versions not stated): gnomAD 0.00003 and 0.00004; TOPMed 0.00005; ExAC 0.00002; ESP Exome Variant Server 0.00008; gnomAD exomes 0.00001 and 0.00002.
gnomAD v4.1: 22 of 1,613,886 alleles (0.0014%); highest among the groups gnomAD compares: African/African-American, 0.0067%; no homozygotes.

Submissions (8):

GeneDx
Classification: Uncertain significance. Last evaluated: 2026-10-23. Review status: criteria provided, single submitter. Criteria: GeneDx Variant Classification Process June 2021. Collection method: clinical testing. Allele origin: germline.
Comment: Has not been previously published as pathogenic or benign to our knowledge; Not observed at significant frequency in large population cohorts (gnomAD); In silico analysis supports that this missense variant has a deleterious effect on protein structure/function; This variant is associated with the following publications: (PMID: 21636032)

Women's Health and Genetics/Laboratory Corporation of America, LabCorp
Classification: Uncertain significance. Last evaluated: 2025-11-24. Review status: criteria provided, single submitter. Criteria: LabCorp Variant Classification Summary - May 2015. Collection method: clinical testing. Allele origin: germline.
Comment: Variant summary: DSG2 c.1837G>A (p.Ala613Thr) results in a non-conservative amino acid change in the encoded protein sequence. Algorithms developed to predict the effect of missense changes on protein structure and function are either unavailable or do not agree on the potential impact of this missense change. The variant allele was found at a frequency of 2e-05 in 249788 control chromosomes. The available data on variant occurrences in the general population are insufficient to allow any conclusion about variant significance. To our knowledge, no occurrence of c.1837G>A in individuals affected with DSG2-related conditions and no experimental evidence demonstrating its impact on protein function have been reported. The following publication has been ascertained in the context of this evaluation (PMID: 21636032). ClinVar contains an entry for this variant (Variation ID: 44288). Based on the evidence outlined above, the variant was classified as uncertain significance.

Ambry Genetics
Classification: Uncertain significance for Cardiovascular phenotype. Last evaluated: 2025-08-11. Review status: criteria provided, single submitter. Criteria: Ambry Variant Classification Scheme 2023. Collection method: clinical testing. Allele origin: germline.

Labcorp Genetics (formerly Invitae), Labcorp
Classification: Uncertain significance for Arrhythmogenic right ventricular dysplasia 10. Last evaluated: 2025-02-03. Review status: criteria provided, single submitter. Criteria: Invitae Variant Classification Sherloc (09022015). Collection method: clinical testing. Allele origin: germline.
Comment: This sequence change replaces alanine, which is neutral and non-polar, with threonine, which is neutral and polar, at codon 613 of the DSG2 protein (p.Ala613Thr). This variant is present in population databases (rs368257724, gnomAD 0.01%). This variant has not been reported in the literature in individuals affected with DSG2-related conditions. ClinVar contains an entry for this variant (Variation ID: 44288). Invitae Evidence Modeling of protein sequence and biophysical properties (such as structural, functional, and spatial information, amino acid conservation, physicochemical variation, residue mobility, and thermodynamic stability) indicates that this missense variant is not expected to disrupt DSG2 protein function with a negative predictive value of 95%. In summary, the available evidence is currently insufficient to determine the role of this variant in disease. Therefore, it has been classified as a Variant of Uncertain Significance.

Color Diagnostics, LLC DBA Color Health
Classification: Uncertain significance for Cardiomyopathy. Last evaluated: 2024-11-25. Review status: criteria provided, single submitter. Criteria: ACMG Guidelines, 2015. Collection method: clinical testing. Allele origin: germline.
Comment: This missense variant replaces alanine with threonine at codon 613 of the DSG2 protein. Computational prediction suggests that this variant may not impact protein structure and function. To our knowledge, functional studies have not been reported for this variant. This variant has not been reported in individuals affected with DSG2-related disorders in the literature. This variant has been identified in 5/280334 chromosomes in the general population by the Genome Aggregation Database (gnomAD). The available evidence is insufficient to determine the role of this variant in disease conclusively. Therefore, this variant is classified as a Variant of Uncertain Significance.

All of Us Research Program, National Institutes of Health
Classification: Uncertain significance for Arrhythmogenic right ventricular cardiomyopathy. Last evaluated: 2023-12-01. Review status: criteria provided, single submitter. Criteria: ACMG Guidelines, 2015. Collection method: clinical testing. Allele origin: germline. Inheritance: Autosomal dominant inheritance. Observed: 3 variant alleles, 3 heterozygotes.
Comment: Variant of Uncertain Significance due to insufficient evidence: This missense variant replaces alanine with threonine at codon 613 of the DSG2 protein. Computational prediction tools and conservation analyses are inconclusive regarding the impact of this variant on the protein function. Computational splicing tools suggest that this variant may not impact RNA splicing. To our knowledge, functional assays have not been performed for this variant nor has this variant been reported in individuals affected with cardiovascular disorders in the literature. This variant has been identified in 5/280334 chromosomes in the general population by the Genome Aggregation Database (gnomAD). Available evidence is insufficient to determine the role of this variant in disease conclusively.

This study involves interpretation of variants in research participants for the purpose of population health screening. Participant phenotype was not available at the time of variant classification. Additional details can be found in publication PMID: 35346344, PMCID: PMC8962531

Biesecker Lab/Clinical Genomics Section, National Institutes of Health
Classification: Uncertain significance. Last evaluated: 2013-06-24. Review status: criteria provided, single submitter. Criteria: Ng et al. (Circ Cardiovasc Genet. 2013). Collection method: research. Allele origin: unknown. Observed: 1 variant allele. Study: ClinSeq.
Comment: The study set was not selected for affection status in relation to any cancer. Pathogenicity categories were based on literature curation. See Pubmed ID:23861362 for details.

Medical sequencing

Laboratory for Molecular Medicine, Mass General Brigham Personalized Medicine
Classification: Uncertain significance. Last evaluated: 2012-10-19. Review status: criteria provided, single submitter. Criteria: LMM Criteria. Collection method: clinical testing. Allele origin: germline. Observed: 2 variant alleles.
Comment: This variant has been identified in 1/847 control ch romosomes (Kapplinger 2011) and in 1/4202 African American chromosomes from a br oad population by the NHLBI Exome Sequencing Project (du/EVS/). Computational analyses (biochemical amino acid properties, conservatio n, AlignGVGD, PolyPhen2, and SIFT) do not provide strong support for or against an impact to the protein. Additional information is needed to fully assess the c linical significance of this variant.

Literature cited by the submitters: PubMed 21636032 (cited by Women's Health and Genetics/Laboratory Corporation of America, LabCorp and Laboratory for Molecular Medicine, Mass General Brigham Personalized Medicine).